The following is an entry in ClinVar:

ClinVar aggregate classification (germline): Likely benign. Review status: criteria provided, multiple submitters, no conflicts (2 of 4 stars). 2 submissions from 2 submitters: Likely benign (2). Last evaluated 2025-05-09.

Conditions:
Autosomal recessive polycystic kidney disease (ARPKD). Also called: AR polycystic kidney disease. Identifiers: Orphanet 731, Orphanet 8378, MedGen C0085548, MeSH D017044, MONDO:0009889.
PKHD1-related disorder. Also called: PKHD1-related condition.

Allele frequency attached by ClinVar (database versions not stated): gnomAD 0.00001; gnomAD exomes 0.00001.
gnomAD v4.1: 11 of 1,613,700 alleles (0.00068%); highest among the groups gnomAD compares: African/African-American, 0.004%; no homozygotes.

Submissions (2):

PreventionGenetics, part of Exact Sciences
Classification: Likely benign for PKHD1-related condition. Last evaluated: 2025-05-09. Review status: criteria provided, single submitter. Criteria: ACMG Guidelines, 2015. Collection method: clinical testing. Allele origin: germline.
Comment: This variant is classified as likely benign based on ACMG/AMP sequence variant interpretation guidelines (Richards et al. 2015 PMID: 25741868, with internal and published modifications).

Labcorp Genetics (formerly Invitae), Labcorp
Classification: Likely benign for Autosomal recessive polycystic kidney disease. Last evaluated: 2024-10-25. Review status: criteria provided, single submitter. Criteria: Invitae Variant Classification Sherloc (09022015). Collection method: clinical testing. Allele origin: germline.

NM_138694.4(PKHD1):c.1959C>T (p.Pro653=)

Gene: PKHD1 (PKHD1 ciliary IPT domain containing fibrocystin/polyductin; minus strand). Cytogenetic location: 6p12.2.
Variant type: single nucleotide variant.
Coding change: c.1959C>T on transcript NM_138694.4 (MANE Select); coding-DNA position 1959, C replaced by T.
Protein change: p.Pro653=; no amino-acid change (proline 653 retained).
Molecular consequence: synonymous variant.
Genome position (GRCh38, 1-based): chr6:52,054,043, G>A on the plus strand (C>T on the coding strand, the complement: PKHD1 is on the minus strand). VCF-style: chr6-52054043-G-A. GRCh37 (hg19) VCF-style: chr6-51918841-G-A.
Other names: c.1959C>T (NM_138694.3); c.1959C>T, p.Pro653= (NM_170724.3).
Identifiers: ClinVar variation 1645901 (VCV001645901.9), dbSNP rs940015253, ClinGen allele CA138915718.